The following is an entry in ClinVar:

ClinVar aggregate classification (germline): Pathogenic. Review status: criteria provided, multiple submitters, no conflicts (2 of 4 stars). 2 submissions from 2 submitters: Pathogenic (2). Last evaluated 2022-07-04.

Conditions:
Hereditary cancer-predisposing syndrome. Also called: Hereditary Cancer Syndrome; Neoplastic Syndromes, Hereditary; Tumor predisposition; Hereditary neoplastic syndrome. Identifiers: Orphanet 140162, MedGen C0027672, MeSH D009386, MONDO:0015356.

Submissions (2):

Labcorp Genetics (formerly Invitae), Labcorp
Classification: Pathogenic for Hereditary cancer-predisposing syndrome. Last evaluated: 2022-07-04. Review status: criteria provided, single submitter. Criteria: Invitae Variant Classification Sherloc (09022015). Collection method: clinical testing. Allele origin: germline.
Comment: For these reasons, this variant has been classified as Pathogenic. ClinVar contains an entry for this variant (Variation ID: 480471). This variant has not been reported in the literature in individuals affected with RAD50-related conditions. This variant is not present in population databases (gnomAD no frequency). This sequence change creates a premature translational stop signal (p.Ile25Serfs*25) in the RAD50 gene. It is expected to result in an absent or disrupted protein product. Loss-of-function variants in RAD50 are known to be pathogenic (PMID: 19409520).

Ambry Genetics
Classification: Pathogenic for Hereditary cancer-predisposing syndrome. Last evaluated: 2017-02-10. Review status: criteria provided, single submitter. Criteria: Ambry Variant Classification Scheme 2023. Collection method: clinical testing. Allele origin: germline.
Comment: The c.72delT pathogenic mutation, located in coding exon 1 of the RAD50 gene, results from a deletion of one nucleotide at nucleotide position 72, causing a translational frameshift with a predicted alternate stop codon (p.I25Sfs*25). This alteration is expected to result in loss of function by premature protein truncation or nonsense-mediated mRNA decay. As such, this alteration is interpreted as a disease-causing mutation.

Literature cited by the submitters: PubMed 19409520 (cited by Labcorp Genetics (formerly Invitae), Labcorp).

NM_005732.4(RAD50):c.72del (p.Ile25fs)

Gene: RAD50 (RAD50 double strand break repair protein; plus strand). Cytogenetic location: 5q31.1.
Variant type: Deletion.
Coding change: c.72del on transcript NM_005732.4 (MANE Select); coding-DNA position 72, one base deleted (T; older notation c.72delT).
Protein change: p.Ile25fs; shifts the reading frame from isoleucine 25.
Molecular consequence: frameshift variant.
Genome position (GRCh38, 1-based): chr5:132,557,396, T deleted; the last of 2 consecutive T bases (chr5:132,557,395-132,557,396); deleting either gives the same sequence. VCF-style (leftmost placement, unchanged base first): chr5-132557394-AT-A. GRCh37 (hg19) VCF-style: chr5-131893086-AT-A.
Other names: short protein forms I25fs.
Identifiers: ClinVar variation 480471 (VCV000480471.10), dbSNP rs1554096644, ClinGen allele CA658657493.
Genomic context (GRCh38, chr5:132,557,394, plus strand): 5'-ATCGAAAAGATGAGCATTCTGGGCGTGCGGAGTTTTGGAATAGAGGACAAAGATAAGCAA[AT>A]TATCACTTTCTTCAGCCCCCTTACAATTTTGGTTGGACCCAATGGGGCGGGAAAGACGGT-3'